The following is an entry in ClinVar:

ClinVar aggregate classification (germline): Likely benign (0 of 4 stars; one submission).

Conditions:
CSPP1-related disorder. Also called: CSPP1-related condition.

Allele frequency attached by ClinVar (database versions not stated): ExAC 0.00001; gnomAD exomes 0.00001.
gnomAD v4.1: 5 of 1,604,254 alleles (0.00031%); highest among the groups gnomAD compares: Admixed American, 0.0017%; no homozygotes.

Submission:

PreventionGenetics, part of Exact Sciences
Classification: Likely benign for CSPP1-related condition. Last evaluated: 2023-02-13. Review status: no assertion criteria provided. Collection method: clinical testing. Allele origin: germline.
Comment: This variant is classified as likely benign based on ACMG/AMP sequence variant interpretation guidelines (Richards et al. 2015 PMID: 25741868, with internal and published modifications).

NM_001382391.1(CSPP1):c.2079A>G (p.Leu693=)

Gene: CSPP1 (centrosome and spindle pole associated protein 1; plus strand). Cytogenetic location: 8q13.2.
Variant type: single nucleotide variant.
Coding change: c.2079A>G on transcript NM_001382391.1 (MANE Select); coding-DNA position 2079, A replaced by G.
Protein change: p.Leu693=; no amino-acid change (leucine 693 retained).
Molecular consequence: synonymous variant. On other transcripts: intron variant (3).
Genome position (GRCh38, 1-based): chr8:67,149,886, A>G. VCF-style: chr8-67149886-A-G. GRCh37 (hg19) VCF-style: chr8-68062121-A-G.
Other names: c.1998A>G, p.Leu666= (NM_001363131.2); c.2145A>G, p.Leu715= (NM_001364869.1); c.1965A>G, p.Leu655= (NM_001364870.1); c.2064A>G, p.Leu688= (NM_024790.7); c.1934-4138A>G (NM_001363132.2); c.1853-4138A>G (NM_001363133.2); c.1079-4138A>G (NM_001291339.2).
Identifiers: ClinVar variation 3049862 (VCV003049862.2), dbSNP rs765778504, ClinGen allele CA4770732.